The following is an entry in ClinVar:

ClinVar aggregate classification (germline): Uncertain significance (1 of 4 stars; one submission).

Conditions:
Nemaline myopathy 6 (NEM6). Also called: Nemaline myopathy 6, autosomal dominant. Identifiers: Orphanet 171439, MedGen C1836472, MONDO:0012237, OMIM 609273.

Allele frequency attached by ClinVar (database versions not stated): TOPMed below 0.00001; gnomAD exomes 0.00001.
gnomAD v4.1: 4 of 1,542,242 alleles (0.00026%); highest among the groups gnomAD compares: East Asian, 0.0073%; no homozygotes.

Submission:

Labcorp Genetics (formerly Invitae), Labcorp
Classification: Uncertain significance for Nemaline myopathy 6. Last evaluated: 2022-06-04. Review status: criteria provided, single submitter. Criteria: Invitae Variant Classification Sherloc (09022015). Collection method: clinical testing. Allele origin: germline.
Comment: This sequence change replaces proline, which is neutral and non-polar, with threonine, which is neutral and polar, at codon 247 of the KBTBD13 protein (p.Pro247Thr). The frequency data for this variant in the population databases is considered unreliable, as metrics indicate poor data quality at this position in the gnomAD database. This variant has not been reported in the literature in individuals affected with KBTBD13-related conditions. ClinVar contains an entry for this variant (Variation ID: 654021). Algorithms developed to predict the effect of missense changes on protein structure and function are either unavailable or do not agree on the potential impact of this missense change (SIFT: "Tolerated"; PolyPhen-2: "Possibly Damaging"; Align-GVGD: "Class C0"). In summary, the available evidence is currently insufficient to determine the role of this variant in disease. Therefore, it has been classified as a Variant of Uncertain Significance.

NM_001101362.3(KBTBD13):c.739C>A (p.Pro247Thr)

Gene: KBTBD13 (kelch repeat and BTB domain containing 13; plus strand). Cytogenetic location: 15q22.31.
Variant type: single nucleotide variant.
Coding change: c.739C>A on transcript NM_001101362.3 (MANE Select); coding-DNA position 739, C replaced by A.
Protein change: p.Pro247Thr; replaces proline 247 with threonine.
Molecular consequence: missense variant.
Genome position (GRCh38, 1-based): chr15:65,077,554, C>A. VCF-style: chr15-65077554-C-A. GRCh37 (hg19) VCF-style: chr15-65369892-C-A.
Other names: short protein forms P247T.
Identifiers: ClinVar variation 654021 (VCV000654021.8), dbSNP rs1187855959, ClinGen allele CA392862846.